The following is an entry in ClinVar:

ClinVar aggregate classification (germline): Uncertain significance (1 of 4 stars; one submission).

Conditions:
Perlman syndrome (PRLMNS). Identifiers: Orphanet 2849, MedGen C0796113, MONDO:0009965, OMIM 267000.

Submission:

Labcorp Genetics (formerly Invitae), Labcorp
Classification: Uncertain significance for Perlman syndrome. Last evaluated: 2021-05-05. Review status: criteria provided, single submitter. Criteria: Invitae Variant Classification Sherloc (09022015). Collection method: clinical testing. Allele origin: germline.
Comment: This variant has not been reported in the literature in individuals with DIS3L2-related conditions. This variant, c.1750_1752del, results in the deletion of 1 amino acid(s) of the DIS3L2 protein (p.Glu584del), but otherwise preserves the integrity of the reading frame. This variant is not present in population databases (ExAC no frequency). Experimental studies and prediction algorithms are not available or were not evaluated, and the functional significance of this variant is currently unknown. In summary, the available evidence is currently insufficient to determine the role of this variant in disease. Therefore, it has been classified as a Variant of Uncertain Significance.

NM_152383.5(DIS3L2):c.1747GAG[1] (p.Glu584del)

Gene: DIS3L2 (DIS3 like 3'-5' exoribonuclease 2; plus strand). Cytogenetic location: 2q37.1.
Variant type: Microsatellite.
Coding change: c.1747GAG[1] on transcript NM_152383.5 (MANE Select); one copy of the 3-base unit GAG starting at c.1747; the reference has two copies in a row; one copy, 3 bases deleted.
Protein change: p.Glu584del; deletes glutamic acid 584.
Molecular consequence: inframe deletion. On other transcripts: intron variant (1).
Genome position (GRCh38, 1-based): chr2:232,329,823-232,329,825, GAG deleted; deleting any 3 consecutive bases within chr2:232,329,819-232,329,825 gives the same sequence; the position shown is the placement nearest the transcript's 3' end. VCF-style (leftmost placement, unchanged base first): chr2-232329818-TGGA-T. GRCh37 (hg19) VCF-style: chr2-233194528-TGGA-T.
Other names: c.1582-13522_1582-13520del (NM_001257281.2); short protein forms E584del.
Identifiers: ClinVar variation 1057352 (VCV001057352.9), dbSNP rs2106347829, ClinGen allele CA2580616742.